The following is an entry in ClinVar:

ClinVar aggregate classification (germline): Uncertain significance. Review status: criteria provided, multiple submitters, no conflicts (2 of 4 stars). 3 submissions from 3 submitters: Uncertain significance (3). Last evaluated 2025-03-18.

Conditions:
Renal cell carcinoma. Identifiers: Orphanet 217071, MedGen C0007134, MeSH D002292, MONDO:0005086, HP:0005584.
Papillary renal cell carcinoma type 1 (RCCP1). Also called: Renal adenocarcinoma; Renal cell carcinoma 1; Renal cell carcinoma, somatic; RENAL CELL CARCINOMA, PAPILLARY, 1, SOMATIC. Identifiers: Orphanet 47044, MedGen C1336839, OMIM 605074, HP:0011797.
Hereditary cancer-predisposing syndrome. Also called: Neoplastic Syndromes, Hereditary; Hereditary Cancer Syndrome; Tumor predisposition; Hereditary neoplastic syndrome. Identifiers: Orphanet 140162, MedGen C0027672, MeSH D009386, MONDO:0015356.

Submissions (3):

Ambry Genetics
Classification: Uncertain significance for Hereditary cancer-predisposing syndrome. Last evaluated: 2025-03-18. Review status: criteria provided, single submitter. Criteria: Ambry Variant Classification Scheme 2023. Collection method: clinical testing. Allele origin: germline.
Comment: The p.A909G variant (also known as c.2726C>G), located in coding exon 11 of the MET gene, results from a C to G substitution at nucleotide position 2726. The alanine at codon 909 is replaced by glycine, an amino acid with similar properties. This amino acid position is not well conserved in available vertebrate species. In addition, this alteration is predicted to be tolerated by in silico analysis. Based on the available evidence, the clinical significance of this variant remains unclear.

Labcorp Genetics (formerly Invitae), Labcorp
Classification: Uncertain significance for Renal cell carcinoma. Last evaluated: 2023-07-15. Review status: criteria provided, single submitter. Criteria: Invitae Variant Classification Sherloc (09022015). Collection method: clinical testing. Allele origin: germline.
Comment: In summary, the available evidence is currently insufficient to determine the role of this variant in disease. Therefore, it has been classified as a Variant of Uncertain Significance. An algorithm developed to predict the effect of missense changes on protein structure and function (PolyPhen-2) suggests that this variant is likely to be tolerated. ClinVar contains an entry for this variant (Variation ID: 584717). This variant has not been reported in the literature in individuals affected with MET-related conditions. This variant is not present in population databases (gnomAD no frequency). This sequence change replaces alanine, which is neutral and non-polar, with glycine, which is neutral and non-polar, at codon 909 of the MET protein (p.Ala909Gly).

Mendelics
Classification: Uncertain significance for Renal cell carcinoma, papillary, 1. Last evaluated: 2018-07-02. Review status: criteria provided, single submitter. Criteria: Mendelics Assertion Criteria 2017. Collection method: clinical testing. Allele origin: unknown.

NM_000245.4(MET):c.2672C>G (p.Ala891Gly)

Gene: MET (MET proto-oncogene, receptor tyrosine kinase; plus strand). Cytogenetic location: 7q31.2.
Variant type: single nucleotide variant.
Coding change: c.2672C>G on transcript NM_000245.4 (MANE Select); coding-DNA position 2672, C replaced by G.
Protein change: p.Ala891Gly; replaces alanine 891 with glycine.
Molecular consequence: missense variant.
Genome position (GRCh38, 1-based): chr7:116,769,733, C>G. VCF-style: chr7-116769733-C-G. GRCh37 (hg19) VCF-style: chr7-116409787-C-G.
Other names: c.2726C>G, p.Ala909Gly (NM_001127500.3); c.2672C>G, p.Ala891Gly (NM_001324401.3); c.1382C>G, p.Ala461Gly (NM_001324402.2); short protein forms A909G, A891G, A461G.
Identifiers: ClinVar variation 584717 (VCV000584717.8), dbSNP rs1562929174, ClinGen allele CA368985657.